The following is an entry in ClinVar:

NM_000455.5(STK11):c.363G>A (p.Glu121=)

Gene: STK11 (serine/threonine kinase 11; plus strand). Cytogenetic location: 19p13.3.
Variant type: single nucleotide variant.
Coding change: c.363G>A on transcript NM_000455.5 (MANE Select); coding-DNA position 363, G replaced by A.
Protein change: p.Glu121=; no amino-acid change (glutamic acid 121 retained).
Molecular consequence: synonymous variant.
Genome position (GRCh38, 1-based): chr19:1,218,489, G>A. VCF-style: chr19-1218489-G-A. GRCh37 (hg19) VCF-style: chr19-1218488-G-A.
Identifiers: ClinVar variation 220548 (VCV000220548.21), dbSNP rs864622574, ClinGen allele CA349271.

ClinVar aggregate classification (germline): Conflicting classifications of pathogenicity. Review status: criteria provided, conflicting classifications (1 of 4 stars). 5 submissions from 5 submitters: Uncertain significance (1); Benign (1); Likely benign (3). Last evaluated 2025-04-10.

Conditions:
Hereditary cancer-predisposing syndrome. Also called: Hereditary Cancer Syndrome; Tumor predisposition; Hereditary neoplastic syndrome; Neoplastic Syndromes, Hereditary. Identifiers: Orphanet 140162, MedGen C0027672, MeSH D009386, MONDO:0015356.
Peutz-Jeghers syndrome (PJS). Also called: POLYPOSIS, HAMARTOMATOUS INTESTINAL; POLYPS-AND-SPOTS SYNDROME; Peutz-Jeghers polyposis; Periorificial lentiginosis syndrome. Identifiers: Orphanet 2869, MedGen C0031269, MeSH D010580, MONDO:0008280, OMIM 175200.

Allele frequency attached by ClinVar (database versions not stated): TOPMed below 0.00001; gnomAD exomes below 0.00001.
gnomAD v4.1: 1 of 1,613,564 alleles (0.000062%); highest among the groups gnomAD compares: South Asian, 0.0011%; no homozygotes.

Submissions (5):

Labcorp Genetics (formerly Invitae), Labcorp
Classification: Likely benign for Peutz-Jeghers syndrome. Last evaluated: 2025-04-10. Review status: criteria provided, single submitter. Criteria: Invitae Variant Classification Sherloc (09022015). Collection method: clinical testing. Allele origin: germline.

Myriad Genetics, Inc.
Classification: Benign for Peutz-Jeghers syndrome. Last evaluated: 2025-03-25. Review status: criteria provided, single submitter. Criteria: Myriad Autosomal Dominant, Autosomal Recessive and X-Linked Classification Criteria (2023). Collection method: clinical testing. Allele origin: unknown.
Comment: This variant is considered benign. This variant is a silent/synonymous amino acid change and it is not expected to impact splicing.

GeneDx
Classification: Uncertain significance. Last evaluated: 2023-09-01. Review status: criteria provided, single submitter. Criteria: GeneDx Variant Classification Process June 2021. Collection method: clinical testing. Allele origin: germline.
Comment: Not observed at significant frequency in large population cohorts (gnomAD); In silico analysis supports that this variant does not alter splicing; Has not been previously published as pathogenic or benign to our knowledge

Color Diagnostics, LLC DBA Color Health
Classification: Likely benign for Hereditary cancer-predisposing syndrome. Last evaluated: 2019-06-05. Review status: criteria provided, single submitter. Criteria: ACMG Guidelines, 2015. Collection method: clinical testing. Allele origin: germline.

Ambry Genetics
Classification: Likely benign for Hereditary cancer-predisposing syndrome. Last evaluated: 2016-11-17. Review status: criteria provided, single submitter. Criteria: Ambry Variant Classification Scheme 2023. Collection method: clinical testing. Allele origin: germline.